The following is an entry in ClinVar:

NM_016205.3(PDGFC):c.113A>G (p.Gln38Arg)

Gene: PDGFC (platelet derived growth factor C; minus strand). Cytogenetic location: 4q32.1.
Variant type: single nucleotide variant.
Coding change: c.113A>G on transcript NM_016205.3 (MANE Select); coding-DNA position 113, A replaced by G.
Protein change: p.Gln38Arg; replaces glutamine 38 with arginine.
Molecular consequence: missense variant. On other transcripts: non-coding transcript variant (1).
Genome position (GRCh38, 1-based): chr4:156,970,791, T>C on the plus strand (A>G on the coding strand, the complement: PDGFC is on the minus strand). VCF-style: chr4-156970791-T-C. GRCh37 (hg19) VCF-style: chr4-157891943-T-C.
Other names: short protein forms Q38R.
Identifiers: ClinVar variation 771707 (VCV000771707.18), dbSNP rs139145392, ClinGen allele CA3119589.

ClinVar aggregate classification (germline): Benign/Likely benign. Review status: criteria provided, multiple submitters, no conflicts (2 of 4 stars). 3 submissions from 3 submitters: Benign (2); Likely benign (1). Last evaluated 2025-04-01.

Allele frequency attached by ClinVar (database versions not stated): 1000 Genomes Project 30x 0.00156; 1000 Genomes Project 0.00180; TOPMed 0.00419; gnomAD exomes 0.00443 and 0.00564; gnomAD 0.00449 and 0.00468; ExAC 0.00451; ESP Exome Variant Server 0.00492.
gnomAD v4.1: 8,668 of 1,588,684 alleles (0.55%); highest among the groups gnomAD compares: Non-Finnish European, 0.68%; 40 homozygotes.

Submissions (3):

CeGaT Center for Human Genetics Tuebingen
Classification: Likely benign. Last evaluated: 2025-04-01. Review status: criteria provided, single submitter. Criteria: CeGaT Center For Human Genetics Tuebingen Variant Classification Criteria Version 2. Collection method: clinical testing. Allele origin: germline. Affected: yes. Observed: 2 variant alleles.
Comment: PDGFC: BP4, BS2

Labcorp Genetics (formerly Invitae), Labcorp
Classification: Benign. Last evaluated: 2019-12-31. Review status: criteria provided, single submitter. Criteria: Invitae Variant Classification Sherloc (09022015). Collection method: clinical testing. Allele origin: germline.

Breakthrough Genomics
Classification: Benign. Review status: criteria provided, single submitter. Criteria: ACMG Guidelines, 2015. Collection method: not provided. Allele origin: germline. Inheritance: Unknown mechanism. Affected: yes.